The following is an entry in ClinVar:

ClinVar aggregate classification (germline): Uncertain significance. Review status: criteria provided, multiple submitters, no conflicts (2 of 4 stars). 2 submissions from 2 submitters: Uncertain significance (2). Last evaluated 2026-04-23.

Conditions:
Hereditary cancer-predisposing syndrome. Also called: Tumor predisposition; Neoplastic Syndromes, Hereditary; Hereditary Cancer Syndrome; Hereditary neoplastic syndrome. Identifiers: Orphanet 140162, MedGen C0027672, MeSH D009386, MONDO:0015356.
Gorlin syndrome. Also called: Basal cell nevus syndrome; Nevoid Basal Cell Carcinoma Syndrome. Identifiers: Orphanet 377, MedGen C0004779, MONDO:0007187.

Submissions (2):

Ambry Genetics
Classification: Uncertain significance for Hereditary cancer-predisposing syndrome. Last evaluated: 2026-04-23. Review status: criteria provided, single submitter. Criteria: Ambry Variant Classification Scheme 2023. Collection method: clinical testing. Allele origin: germline.
Comment: The p.G115V variant (also known as c.344G>T), located in coding exon 2 of the PTCH1 gene, results from a G to T substitution at nucleotide position 344. The glycine at codon 115 is replaced by valine, an amino acid with dissimilar properties. This amino acid position is conserved. In addition, this alteration is predicted to be deleterious by in silico analysis. Based on the available evidence, the clinical significance of this variant remains unclear.

Labcorp Genetics (formerly Invitae), Labcorp
Classification: Uncertain significance for Gorlin syndrome. Last evaluated: 2022-08-09. Review status: criteria provided, single submitter. Criteria: Invitae Variant Classification Sherloc (09022015). Collection method: clinical testing. Allele origin: germline.
Comment: Algorithms developed to predict the effect of sequence changes on RNA splicing suggest that this variant may create or strengthen a splice site. This sequence change replaces glycine, which is neutral and non-polar, with valine, which is neutral and non-polar, at codon 115 of the PTCH1 protein (p.Gly115Val). This variant is not present in population databases (gnomAD no frequency). This variant has not been reported in the literature in individuals affected with PTCH1-related conditions. ClinVar contains an entry for this variant (Variation ID: 1399093). Advanced modeling of protein sequence and biophysical properties (such as structural, functional, and spatial information, amino acid conservation, physicochemical variation, residue mobility, and thermodynamic stability) performed at Invitae indicates that this missense variant is expected to disrupt PTCH1 protein function. In summary, the available evidence is currently insufficient to determine the role of this variant in disease. Therefore, it has been classified as a Variant of Uncertain Significance.

NM_000264.5(PTCH1):c.344G>T (p.Gly115Val)

Gene: PTCH1 (patched 1; minus strand). Cytogenetic location: 9q22.32.
Variant type: single nucleotide variant.
Coding change: c.344G>T on transcript NM_000264.5 (MANE Select); coding-DNA position 344, G replaced by T.
Protein change: p.Gly115Val; replaces glycine 115 with valine.
Molecular consequence: missense variant. On other transcripts: 5 prime UTR variant (4), non-coding transcript variant (1).
Genome position (GRCh38, 1-based): chr9:95,506,457, C>A on the plus strand (G>T on the coding strand, the complement: PTCH1 is on the minus strand). VCF-style: chr9-95506457-C-A. GRCh37 (hg19) VCF-style: chr9-98268739-C-A.
Other names: c.146G>T, p.Gly49Val (NM_001083602.3, NM_001354919.2); c.341G>T, p.Gly114Val (NM_001083603.3); c.-110G>T (NM_001083604.3, NM_001083605.3, NM_001083606.3 and 1 more transcripts); c.344G>T, p.Gly115Val (NM_001354918.2); short protein forms G114V, G49V, G115V.
Identifiers: ClinVar variation 1399093 (VCV001399093.11), dbSNP rs544052043, ClinGen allele CA374120237.
Genomic context (GRCh38, chr9:95,506,457, plus strand): 5'-GCGCTCTTACCTTCCACCCACAGCTCCTCCACGTTGGTCTCGAGGTTCGCTGCTTTTAAT[C>A]CCACCGCGAAGGCCCCAAATATGAGGAGGCCCACAACCAAGAACTTGCCGCAGTTTTTTT-3'
Protein context (NP_000255.2, residues 105-125): GLLIFGAFAV[Gly115Val]LKAANLETNV